The following is an entry in ClinVar:

NM_000257.4(MYH7):c.635G>A (p.Gly212Asp)

Gene: MYH7 (myosin heavy chain 7; minus strand). Cytogenetic location: 14q11.2.
Variant type: single nucleotide variant.
Coding change: c.635G>A on transcript NM_000257.4 (MANE Select); coding-DNA position 635, G replaced by A.
Protein change: p.Gly212Asp; replaces glycine 212 with aspartic acid.
Molecular consequence: missense variant.
Genome position (GRCh38, 1-based): chr14:23,431,765, C>T on the plus strand (G>A on the coding strand, the complement: MYH7 is on the minus strand). VCF-style: chr14-23431765-C-T. GRCh37 (hg19) VCF-style: chr14-23900974-C-T.
Other names: c.635G>A (LRG_384t1); short protein forms G212D.
Identifiers: ClinVar variation 234707 (VCV000234707.2), dbSNP rs876661175, ClinGen allele CA10577514.

ClinVar aggregate classification (germline): Uncertain significance (1 of 4 stars; one submission).

Allele frequency attached by ClinVar (database versions not stated): gnomAD exomes below 0.00001.
gnomAD v4.1: 2 of 1,614,256 alleles (0.00012%); highest among the groups gnomAD compares: Non-Finnish European, 0.00017%; no homozygotes.

Submission:

GeneDx
Classification: Uncertain significance. Last evaluated: 2015-12-17. Review status: criteria provided, single submitter. Criteria: GeneDx Variant Classification (06012015). Collection method: clinical testing. Allele origin: germline. Affected: yes.
Comment: The G212D variant has not been published as a pathogenic variant, nor has it been reported as a benign variant to our knowledge. This variant was not observed in approximately 6,500 individuals of European and African American ancestry in the NHLBI Exome Sequencing Project, indicating it is not a common benign variant in these populations. Missense variants in nearby residues (K207Q, S210R, P211L, G214D, L216V, D218Y) have been reported in the Human Gene Mutation Database in association with HCM (Stenson et al., 2014), supporting the functional importance of this region of the protein. The G212D variant is a non-conservative amino acid substitution, which is likely to impact secondary protein structure as these residues differ in polarity, charge, size and/or other properties. In addition, this substitution occurs at a position that is conserved in mammals. However, in silico analysis is inconsistent in its predictions as to whether or not the variant is damaging to the protein structure/function. Therefore, based on the currently available information, it is unclear whether this variant is pathogenic or rare benign.